The following is an entry in ClinVar:

ClinVar aggregate classification (germline): Conflicting classifications of pathogenicity. Review status: criteria provided, conflicting classifications (1 of 4 stars). 3 submissions from 3 submitters: Likely pathogenic (1); Uncertain significance (2). Last evaluated 2026-08-20.

Conditions:
ABCA4-related disorder. Also called: ABCA4-related disorders; ABCA4-related condition. Identifiers: MedGen CN239167.

Allele frequency attached by ClinVar (database versions not stated): ExAC 0.00001; gnomAD exomes 0.00002; ESP Exome Variant Server 0.00015; TOPMed 0.00016; gnomAD 0.00019 and 0.00022.
gnomAD v4.1: 60 of 1,613,898 alleles (0.0037%); highest among the groups gnomAD compares: African/African-American, 0.075%; no homozygotes.

Submissions (3):

PreventionGenetics, part of Exact Sciences
Classification: Uncertain significance for ABCA4-related condition. Last evaluated: 2026-08-20. Review status: criteria provided, single submitter. Criteria: ACMG Guidelines, 2015. Collection method: clinical testing. Allele origin: germline.
Comment: The ABCA4 c.5984A>T variant is predicted to result in the amino acid substitution p.Asp1995Val. To our knowledge, this variant has not been reported in the literature. This variant is reported in 0.044% of alleles in individuals of African descent in gnomAD. At this time, the clinical significance of this variant is uncertain due to the absence of conclusive functional and genetic evidence.

Labcorp Genetics (formerly Invitae), Labcorp
Classification: Likely pathogenic. Last evaluated: 2025-06-17. Review status: criteria provided, single submitter. Criteria: Invitae Variant Classification Sherloc (09022015). Collection method: clinical testing. Allele origin: germline.
Comment: This sequence change replaces aspartic acid, which is acidic and polar, with valine, which is neutral and non-polar, at codon 1995 of the ABCA4 protein (p.Asp1995Val). This variant is present in population databases (rs141489669, gnomAD 0.05%). This missense change has been observed in individual(s) with clinical features of Stargardt disease (internal data). ClinVar contains an entry for this variant (Variation ID: 1058512). Invitae Evidence Modeling of protein sequence and biophysical properties (such as structural, functional, and spatial information, amino acid conservation, physicochemical variation, residue mobility, and thermodynamic stability) indicates that this missense variant is expected to disrupt ABCA4 protein function with a positive predictive value of 95%. In summary, the currently available evidence indicates that the variant is pathogenic, but additional data are needed to prove that conclusively. Therefore, this variant has been classified as Likely Pathogenic.

GeneDx
Classification: Uncertain significance. Last evaluated: 2024-08-29. Review status: criteria provided, single submitter. Criteria: GeneDx Variant Classification Process June 2021. Collection method: clinical testing. Allele origin: germline. Affected: yes.
Comment: In silico analysis supports that this missense variant has a deleterious effect on protein structure/function; Has not been previously published as pathogenic or benign to our knowledge

NM_000350.3(ABCA4):c.5984A>T (p.Asp1995Val)

Gene: ABCA4 (ATP binding cassette subfamily A member 4; minus strand). Cytogenetic location: 1p22.1.
Variant type: single nucleotide variant.
Coding change: c.5984A>T on transcript NM_000350.3 (MANE Select); coding-DNA position 5984, A replaced by T.
Protein change: p.Asp1995Val; replaces aspartic acid 1995 with valine.
Molecular consequence: missense variant.
Genome position (GRCh38, 1-based): chr1:94,007,655, T>A on the plus strand (A>T on the coding strand, the complement: ABCA4 is on the minus strand). VCF-style: chr1-94007655-T-A. GRCh37 (hg19) VCF-style: chr1-94473211-T-A.
Other names: c.5984A>T (NM_000350.2); c.5762A>T, p.Asp1921Val (NM_001425324.1); short protein forms D1995V, D1921V.
Identifiers: ClinVar variation 1058512 (VCV001058512.9), dbSNP rs141489669, ClinGen allele CA957056.
Genomic context (GRCh38, chr1:94,007,655, plus strand): 5'-GTGAGAGACTCCCTGAGACAGGAGGAGCAGGATACTCACCTCTTGCCTGCTACGGTGGCA[T>A]CCCCTGAGGTCACTGTGGTGTCCCCAGTGAGCATCTTGAATGTGGTTGTTTTGCCGGCAC-3'
Protein context (NP_000341.2, residues 1985-2005): LTGDTTVTSG[Asp1995Val]ATVAGKSILT